The following is an entry in ClinVar:

ClinVar aggregate classification (germline): Uncertain significance (1 of 4 stars; one submission).

Conditions:
Autoimmune interstitial lung disease-arthritis syndrome. Also called: Autoinflammation and autoimmunity, systemic, with immune dysregulation. Identifiers: Orphanet 444092, MedGen C5975714, MONDO:0014629.

gnomAD v4.1: 4 of 1,611,020 alleles (0.00025%); highest among the groups gnomAD compares: Non-Finnish European, 0.00034%; no homozygotes.

Submission:

Labcorp Genetics (formerly Invitae), Labcorp
Classification: Uncertain significance for Autoimmune interstitial lung disease-arthritis syndrome. Last evaluated: 2024-10-22. Review status: criteria provided, single submitter. Criteria: Invitae Variant Classification Sherloc (09022015). Collection method: clinical testing. Allele origin: germline.
Comment: This sequence change falls in intron 7 of the COPA gene. It does not directly change the encoded amino acid sequence of the COPA protein. It affects a nucleotide within the consensus splice site. This variant is not present in population databases (gnomAD no frequency). This variant has not been reported in the literature in individuals affected with COPA-related conditions. Variants that disrupt the consensus splice site are a relatively common cause of aberrant splicing (PMID: 17576681, 9536098). Algorithms developed to predict the effect of sequence changes on RNA splicing suggest that this variant is not likely to affect RNA splicing. In summary, the available evidence is currently insufficient to determine the role of this variant in disease. Therefore, it has been classified as a Variant of Uncertain Significance.

Literature cited by the submitters: PubMed 17576681; PubMed 9536098.

NM_004371.4(COPA):c.606+6T>C

Gene: COPA (coat protein complex I subunit alpha; minus strand). Cytogenetic location: 1q23.2.
Variant type: single nucleotide variant.
Coding change: c.606+6T>C on transcript NM_004371.4 (MANE Select); 6 bases into the intron after coding-DNA position 606, T replaced by C.
Molecular consequence: intron variant.
Genome position (GRCh38, 1-based): chr1:160,325,537, A>G on the plus strand (T>C on the coding strand, the complement: COPA is on the minus strand). VCF-style: chr1-160325537-A-G. GRCh37 (hg19) VCF-style: chr1-160295327-A-G.
Other names: c.606+6T>C (NM_001098398.2).
Identifiers: ClinVar variation 3676246 (VCV003676246.2).